The following is an entry in ClinVar:

ClinVar aggregate classification (germline): Likely benign (0 of 4 stars; one submission).

Conditions:
POLG2-related disorder. Also called: POLG2-related disorders; POLG2-related condition.

Submission:

PreventionGenetics, part of Exact Sciences
Classification: Likely benign for POLG2-related condition. Last evaluated: 2024-09-27. Review status: no assertion criteria provided. Collection method: clinical testing. Allele origin: germline.
Comment: This variant is classified as likely benign based on ACMG/AMP sequence variant interpretation guidelines (Richards et al. 2015 PMID: 25741868, with internal and published modifications).

NM_007215.4(POLG2):c.627T>C (p.Ala209=)

Genes: MILR1 (mast cell immunoglobulin like receptor 1; plus strand), POLG2 (DNA polymerase gamma 2, accessory subunit; minus strand). Cytogenetic location: 17q23.3.
Variant type: single nucleotide variant.
Coding change: c.627T>C on transcript NM_007215.4 (MANE Select); coding-DNA position 627, T replaced by C.
Protein change: p.Ala209=; no amino-acid change (alanine 209 retained).
Molecular consequence: synonymous variant.
Genome position (GRCh38, 1-based): chr17:64,492,957, A>G on the plus strand (T>C on the coding strand, the complement: POLG2 is on the minus strand). VCF-style: chr17-64492957-A-G. GRCh37 (hg19) VCF-style: chr17-62489074-A-G.
Identifiers: ClinVar variation 3346913 (VCV003346913.1).
Genomic context (GRCh38, chr17:64,492,957, plus strand): 5'-TTTAACACCATTTCGTATCTGCTTAGTGTCAAAAACAGGATGAAAACACACTCCAATCTG[A>G]GCAAGGCCATAAGGTAGCCTCTTGTTTACCAGATCCAGGCAATTAACATAGTGTTCCAAG-3'
Protein context (NP_009146.2, residues 199-219): LVNKRLPYGL[Ala209=]QIGVCFHPVF